The following is an entry in ClinVar:

ClinVar aggregate classification (germline): Benign/Likely benign. Review status: criteria provided, multiple submitters, no conflicts (2 of 4 stars). 5 submissions from 5 submitters: Benign (1); Likely benign (4). Last evaluated 2026-01-02.

Conditions:
Hereditary cancer-predisposing syndrome. Also called: Tumor predisposition; Hereditary Cancer Syndrome; Hereditary neoplastic syndrome; Neoplastic Syndromes, Hereditary. Identifiers: Orphanet 140162, MedGen C0027672, MeSH D009386, MONDO:0015356.
Breast-ovarian cancer, familial, susceptibility to, 3. Also called: RAD51C-Related Breast/Ovarian Cancer. Identifiers: Orphanet 145, MedGen C3150659, MONDO:0013253, OMIM 613399.
Fanconi anemia complementation group O. Also called: RAD51C-Related Fanconi Anemia. Identifiers: Orphanet 84, MedGen C3150653, MONDO:0013248, OMIM 613390.

Allele frequency attached by ClinVar (database versions not stated): gnomAD exomes below 0.00001; TOPMed below 0.00001; gnomAD 0.00001.
gnomAD v4.1: 4 of 1,614,120 alleles (0.00025%); highest among the groups gnomAD compares: Non-Finnish European, 0.00034%; no homozygotes.

Submissions (5):

Labcorp Genetics (formerly Invitae), Labcorp
Classification: Likely benign for Fanconi anemia complementation group O. Last evaluated: 2026-01-02. Review status: criteria provided, single submitter. Criteria: Invitae Variant Classification Sherloc (09022015). Collection method: clinical testing. Allele origin: germline.

Myriad Genetics, Inc.
Classification: Benign for Breast-ovarian cancer, familial, susceptibility to, 3. Last evaluated: 2025-02-14. Review status: criteria provided, single submitter. Criteria: Myriad Autosomal Dominant, Autosomal Recessive and X-Linked Classification Criteria (2023). Collection method: clinical testing. Allele origin: unknown.
Comment: This variant is considered benign. This variant is a silent/synonymous amino acid change and it is not expected to impact splicing.

GeneDx
Classification: Likely benign. Last evaluated: 2018-06-27. Review status: criteria provided, single submitter. Criteria: GeneDx Variant Classification Process June 2021. Collection method: clinical testing. Allele origin: germline. Affected: yes.

Color Diagnostics, LLC DBA Color Health
Classification: Likely benign for Hereditary cancer-predisposing syndrome. Last evaluated: 2016-12-08. Review status: criteria provided, single submitter. Criteria: ACMG Guidelines, 2015. Collection method: clinical testing. Allele origin: germline.

Ambry Genetics
Classification: Likely benign for Hereditary cancer-predisposing syndrome. Last evaluated: 2015-09-15. Review status: criteria provided, single submitter. Criteria: Ambry Variant Classification Scheme 2023. Collection method: clinical testing. Allele origin: germline.

NM_058216.3(RAD51C):c.66G>A (p.Ala22=)

Gene: RAD51C (RAD51 paralog C; plus strand). Cytogenetic location: 17q22.
Variant type: single nucleotide variant.
Coding change: c.66G>A on transcript NM_058216.3 (MANE Select); coding-DNA position 66, G replaced by A.
Protein change: p.Ala22=; no amino-acid change (alanine 22 retained).
Molecular consequence: synonymous variant. On other transcripts: non-coding transcript variant (1).
Genome position (GRCh38, 1-based): chr17:58,692,709, G>A. VCF-style: chr17-58692709-G-A. GRCh37 (hg19) VCF-style: chr17-56770070-G-A.
Other names: c.66G>A, p.Ala22= (NM_002876.4).
Identifiers: ClinVar variation 233868 (VCV000233868.21), dbSNP rs876660695, ClinGen allele CA10580720.